The following is an entry in ClinVar:

ClinVar aggregate classification (germline): Benign/Likely benign. Review status: criteria provided, multiple submitters, no conflicts (2 of 4 stars). 3 submissions from 3 submitters: Benign (1); Likely benign (2). Last evaluated 2025-09-14.

Conditions:
Hereditary cancer-predisposing syndrome. Also called: Tumor predisposition; Hereditary neoplastic syndrome; Neoplastic Syndromes, Hereditary; Hereditary Cancer Syndrome. Identifiers: Orphanet 140162, MedGen C0027672, MeSH D009386, MONDO:0015356.
Oligodontia-cancer predisposition syndrome. Also called: TOOTH AGENESIS-COLORECTAL CANCER SYNDROME. Identifiers: Orphanet 300576, MedGen C1837750, MONDO:0012075, OMIM 608615. Disease mechanism: loss of function.

Allele frequency attached by ClinVar (database versions not stated): TOPMed below 0.00001; ExAC 0.00001; gnomAD exomes 0.00001.
gnomAD v4.1: 5 of 1,614,212 alleles (0.00031%); highest among the groups gnomAD compares: Admixed American, 0.0067%; no homozygotes.

Submissions (3):

Labcorp Genetics (formerly Invitae), Labcorp
Classification: Likely benign for Oligodontia-cancer predisposition syndrome. Last evaluated: 2025-09-14. Review status: criteria provided, single submitter. Criteria: Invitae Variant Classification Sherloc (09022015). Collection method: clinical testing. Allele origin: germline.

Myriad Genetics, Inc.
Classification: Benign for Oligodontia-cancer predisposition syndrome. Last evaluated: 2024-07-01. Review status: criteria provided, single submitter. Criteria: Myriad Autosomal Dominant, Autosomal Recessive and X-Linked Classification Criteria (2023). Collection method: clinical testing. Allele origin: unknown.
Comment: This variant is considered benign. This variant is a silent/synonymous amino acid change and it is not expected to impact splicing.

Ambry Genetics
Classification: Likely benign for Hereditary cancer-predisposing syndrome. Last evaluated: 2019-09-26. Review status: criteria provided, single submitter. Criteria: Ambry Variant Classification Scheme 2023. Collection method: clinical testing. Allele origin: germline.

NM_004655.4(AXIN2):c.1164C>T (p.Arg388=)

Gene: AXIN2 (axin 2; minus strand). Cytogenetic location: 17q24.1.
Variant type: single nucleotide variant.
Coding change: c.1164C>T on transcript NM_004655.4 (MANE Select); coding-DNA position 1164, C replaced by T.
Protein change: p.Arg388=; no amino-acid change (arginine 388 retained).
Molecular consequence: synonymous variant.
Genome position (GRCh38, 1-based): chr17:65,538,239, G>A on the plus strand (C>T on the coding strand, the complement: AXIN2 is on the minus strand). VCF-style: chr17-65538239-G-A. GRCh37 (hg19) VCF-style: chr17-63534357-G-A.
Other names: c.1164C>T, p.Arg388= (NM_001363813.1).
Identifiers: ClinVar variation 818465 (VCV000818465.14), dbSNP rs781122679, ClinGen allele CA8718849.